The following is an entry in ClinVar:

NM_014159.7(SETD2):c.4839+278C>T

Gene: SETD2 (SET domain containing 2, histone lysine methyltransferase; minus strand). Cytogenetic location: 3p21.31.
Variant type: single nucleotide variant.
Coding change: c.4839+278C>T on transcript NM_014159.7 (MANE Select); 278 bases into the intron after coding-DNA position 4839, C replaced by T.
Molecular consequence: intron variant.
Genome position (GRCh38, 1-based): chr3:47,105,719, G>A on the plus strand (C>T on the coding strand, the complement: SETD2 is on the minus strand). VCF-style: chr3-47105719-G-A. GRCh37 (hg19) VCF-style: chr3-47147209-G-A.
Other names: c.4707+278C>T (NM_001349370.3).
Identifiers: ClinVar variation 133381 (VCV000133381.1), dbSNP rs587777970, ClinGen allele CA156472.

ClinVar aggregate classification (germline): not provided (0 of 4 stars; one submission).

Allele frequency attached by ClinVar (database versions not stated): gnomAD exomes 0.00008; gnomAD 0.00011; ExAC 0.00022.
gnomAD v4.1: 39 of 431,026 alleles (0.009%); highest among the groups gnomAD compares: Middle Eastern, 0.036%; no homozygotes.

Submission:

ITMI
No classification provided. Condition: AllHighlyPenetrant. Last evaluated: 2013-09-19. Review status: no classification provided. Collection method: reference population. Allele origin: germline.
Comment: Please see associated publication for description of ethnicities

Literature cited by the submitters: PubMed 24728327.